The following is an entry in ClinVar:

NM_020987.5(ANK3):c.1644C>T (p.Ala548=)

Gene: ANK3 (ankyrin 3; minus strand). Cytogenetic location: 10q21.2.
Variant type: single nucleotide variant.
Coding change: c.1644C>T on transcript NM_020987.5 (MANE Select); coding-DNA position 1644, C replaced by T.
Protein change: p.Ala548=; no amino-acid change (alanine 548 retained).
Molecular consequence: synonymous variant.
Genome position (GRCh38, 1-based): chr10:60,198,385, G>A on the plus strand (C>T on the coding strand, the complement: ANK3 is on the minus strand). VCF-style: chr10-60198385-G-A. GRCh37 (hg19) VCF-style: chr10-61958143-G-A.
Other names: c.1626C>T, p.Ala542= (NM_001204403.2); c.1593C>T, p.Ala531= (NM_001204404.2); c.1644C>T, p.Ala548= (NM_001320874.2).
Identifiers: ClinVar variation 434178 (VCV000434178.21), dbSNP rs537093045, ClinGen allele CA5513087.

ClinVar aggregate classification (germline): Likely benign. Review status: criteria provided, multiple submitters, no conflicts (2 of 4 stars). 3 submissions from 3 submitters: Likely benign (3). Last evaluated 2025-11-01.

Allele frequency attached by ClinVar (database versions not stated): TOPMed 0.00004; gnomAD 0.00005 and 0.00009; ExAC 0.00019; 1000 Genomes Project 0.00020; 1000 Genomes Project 30x 0.00031.
gnomAD v4.1: 197 of 1,614,204 alleles (0.012%); highest among the groups gnomAD compares: Middle Eastern, 0.099%; no homozygotes.

Submissions (3):

CeGaT Center for Human Genetics Tuebingen
Classification: Likely benign. Last evaluated: 2025-11-01. Review status: criteria provided, single submitter. Criteria: CeGaT Center For Human Genetics Tuebingen Variant Classification Criteria Version 2. Collection method: clinical testing. Allele origin: germline. Affected: yes. Observed: 1 variant allele.
Comment: ANK3: BP4, BP7

Labcorp Genetics (formerly Invitae), Labcorp
Classification: Likely benign. Last evaluated: 2024-12-09. Review status: criteria provided, single submitter. Criteria: Invitae Variant Classification Sherloc (09022015). Collection method: clinical testing. Allele origin: germline.

Genetic Services Laboratory, University of Chicago
Classification: Likely benign. Last evaluated: 2016-04-18. Review status: criteria provided, single submitter. Criteria: ACMG Guidelines, 2015. Collection method: clinical testing. Allele origin: germline. Affected: no.